The following is an entry in ClinVar:

NM_022168.4(IFIH1):c.220G>C (p.Gly74Arg)

Gene: IFIH1 (interferon induced with helicase C domain 1; minus strand). Cytogenetic location: 2q24.2.
Variant type: single nucleotide variant.
Coding change: c.220G>C on transcript NM_022168.4 (MANE Select); coding-DNA position 220, G replaced by C.
Protein change: p.Gly74Arg; replaces glycine 74 with arginine.
Molecular consequence: missense variant.
Genome position (GRCh38, 1-based): chr2:162,318,088, C>G on the plus strand (G>C on the coding strand, the complement: IFIH1 is on the minus strand). VCF-style: chr2-162318088-C-G. GRCh37 (hg19) VCF-style: chr2-163174598-C-G.
Other names: short protein forms G74R.
Identifiers: ClinVar variation 1022691 (VCV001022691.6), dbSNP rs1683544639, ClinGen allele CA349013827.

ClinVar aggregate classification (germline): Uncertain significance (1 of 4 stars; one submission).

Conditions:
Aicardi-Goutieres syndrome 7 (AGS7). Identifiers: Orphanet 51, MedGen C3888244, MONDO:0014367, OMIM 615846.
Singleton-Merten syndrome 1 (SGMRT1). Also called: Widened medullary cavities of bone, aortic calcification, abnormal dentition, and muscular weakness; Syndrome of widened medullary cavities of the metacarpals and phalanges, aortic calcification and abnormal dentition. Identifiers: Orphanet 85191, MedGen C4225427, MONDO:0024535, OMIM 182250.

Allele frequency attached by ClinVar (database versions not stated): gnomAD exomes below 0.00001.
gnomAD v4.1: 1 of 1,614,196 alleles (0.000062%); highest among the groups gnomAD compares: South Asian, 0.0011%; no homozygotes.

Submission:

Labcorp Genetics (formerly Invitae), Labcorp
Classification: Uncertain significance for Aicardi-Goutieres syndrome 7; Singleton-Merten syndrome 1. Last evaluated: 2025-08-30. Review status: criteria provided, single submitter. Criteria: Invitae Variant Classification Sherloc (09022015). Collection method: clinical testing. Allele origin: germline.
Comment: This sequence change replaces glycine, which is neutral and non-polar, with arginine, which is basic and polar, at codon 74 of the IFIH1 protein (p.Gly74Arg). This variant is not present in population databases (gnomAD no frequency). This variant has not been reported in the literature in individuals affected with IFIH1-related conditions. ClinVar contains an entry for this variant (Variation ID: 1022691). Invitae Evidence Modeling of protein sequence and biophysical properties (such as structural, functional, and spatial information, amino acid conservation, physicochemical variation, residue mobility, and thermodynamic stability) has been performed for this missense variant. However, the output from this modeling did not meet the statistical confidence thresholds required to predict the impact of this variant on IFIH1 protein function. In summary, the available evidence is currently insufficient to determine the role of this variant in disease. Therefore, it has been classified as a Variant of Uncertain Significance.